The following is an entry in ClinVar:

ClinVar aggregate classification (germline): Uncertain significance (1 of 4 stars; one submission).

Submission:

Labcorp Genetics (formerly Invitae), Labcorp
Classification: Uncertain significance. Last evaluated: 2025-04-03. Review status: criteria provided, single submitter. Criteria: Invitae Variant Classification Sherloc (09022015). Collection method: clinical testing. Allele origin: germline.
Comment: This sequence change replaces glutamic acid, which is acidic and polar, with glycine, which is neutral and non-polar, at codon 814 of the HYOU1 protein (p.Glu814Gly). This variant is not present in population databases (gnomAD no frequency). This variant has not been reported in the literature in individuals affected with HYOU1-related conditions. An algorithm developed to predict the effect of missense changes on protein structure and function (PolyPhen-2) suggests that this variant is likely to be disruptive. In summary, the available evidence is currently insufficient to determine the role of this variant in disease. Therefore, it has been classified as a Variant of Uncertain Significance.

NM_006389.5(HYOU1):c.2441A>G (p.Glu814Gly)

Gene: HYOU1 (hypoxia up-regulated 1; minus strand). Cytogenetic location: 11q23.3.
Variant type: single nucleotide variant.
Coding change: c.2441A>G on transcript NM_006389.5 (MANE Select); coding-DNA position 2441, A replaced by G.
Protein change: p.Glu814Gly; replaces glutamic acid 814 with glycine.
Molecular consequence: missense variant.
Genome position (GRCh38, 1-based): chr11:119,048,016, T>C on the plus strand (A>G on the coding strand, the complement: HYOU1 is on the minus strand). VCF-style: chr11-119048016-T-C. GRCh37 (hg19) VCF-style: chr11-118918728-T-C.
Other names: c.2441A>G, p.Glu814Gly (NM_001130991.3, NM_001411041.1); short protein forms E814G.
Identifiers: ClinVar variation 4692624 (VCV004692624.1).